The following is an entry in ClinVar:

ClinVar aggregate classification (germline): Uncertain significance (1 of 4 stars; one submission).

Submission:

Labcorp Genetics (formerly Invitae), Labcorp
Classification: Uncertain significance. Last evaluated: 2024-02-20. Review status: criteria provided, single submitter. Criteria: Invitae Variant Classification Sherloc (09022015). Collection method: clinical testing. Allele origin: germline.
Comment: This sequence change replaces valine, which is neutral and non-polar, with methionine, which is neutral and non-polar, at codon 103 of the FLNB protein (p.Val103Met). This variant is not present in population databases (gnomAD no frequency). This variant has not been reported in the literature in individuals affected with FLNB-related conditions. Advanced modeling of protein sequence and biophysical properties (such as structural, functional, and spatial information, amino acid conservation, physicochemical variation, residue mobility, and thermodynamic stability) has been performed at Invitae for this missense variant, however the output from this modeling did not meet the statistical confidence thresholds required to predict the impact of this variant on FLNB protein function. In summary, the available evidence is currently insufficient to determine the role of this variant in disease. Therefore, it has been classified as a Variant of Uncertain Significance.

NM_001457.4(FLNB):c.307G>A (p.Val103Met)

Gene: FLNB (filamin B; plus strand). Cytogenetic location: 3p14.3.
Variant type: single nucleotide variant.
Coding change: c.307G>A on transcript NM_001457.4 (MANE Select); coding-DNA position 307, G replaced by A.
Protein change: p.Val103Met; replaces valine 103 with methionine.
Molecular consequence: missense variant.
Genome position (GRCh38, 1-based): chr3:58,077,060, G>A. VCF-style: chr3-58077060-G-A. GRCh37 (hg19) VCF-style: chr3-58062787-G-A.
Other names: c.307G>A, p.Val103Met (NM_001164317.2, NM_001164318.2, NM_001164319.2); short protein forms V103M.
Identifiers: ClinVar variation 3635694 (VCV003635694.2).